The following is an entry in ClinVar:

NM_006904.7(PRKDC):c.34C>A (p.Leu12Met)

Genes: PRKDC (protein kinase, DNA-activated, catalytic subunit; minus strand), LOC129929030 (ATAC-STARR-seq lymphoblastoid silent region 19177; plus strand). Cytogenetic location: 8q11.21.
Variant type: single nucleotide variant.
Coding change: c.34C>A on transcript NM_006904.7 (MANE Select); coding-DNA position 34, C replaced by A.
Protein change: p.Leu12Met; replaces leucine 12 with methionine.
Molecular consequence: missense variant.
Genome position (GRCh38, 1-based): chr8:47,960,093, G>T on the plus strand (C>A on the coding strand, the complement: PRKDC is on the minus strand). VCF-style: chr8-47960093-G-T. GRCh37 (hg19) VCF-style: chr8-48872653-G-T.
Other names: c.34C>A, p.Leu12Met (NM_001081640.2); short protein forms L12M.
Identifiers: ClinVar variation 1732042 (VCV001732042.2), dbSNP rs1215593528, ClinGen allele CA371143053.

ClinVar aggregate classification (germline): Uncertain significance (1 of 4 stars; one submission).

Submission:

Ambry Genetics
Classification: Uncertain significance. Last evaluated: 2022-06-29. Review status: criteria provided, single submitter. Criteria: Ambry Variant Classification Scheme 2023. Collection method: clinical testing. Allele origin: germline.
Comment: The p.L12M variant (also known as c.34C>A), located in coding exon 1 of the PRKDC gene, results from a C to A substitution at nucleotide position 34. The leucine at codon 12 is replaced by methionine, an amino acid with highly similar properties. This amino acid position is conserved. In addition, this alteration is predicted to be tolerated by in silico analysis. Since supporting evidence is limited at this time, the clinical significance of this alteration remains unclear.